The following is an entry in ClinVar:

ClinVar aggregate classification (germline): Uncertain significance (1 of 4 stars; one submission).

Submission:

Labcorp Genetics (formerly Invitae), Labcorp
Classification: Uncertain significance. Last evaluated: 2022-06-05. Review status: criteria provided, single submitter. Criteria: Invitae Variant Classification Sherloc (09022015). Collection method: clinical testing. Allele origin: germline.
Comment: In summary, the available evidence is currently insufficient to determine the role of this variant in disease. Therefore, it has been classified as a Variant of Uncertain Significance. Algorithms developed to predict the effect of missense changes on protein structure and function are either unavailable or do not agree on the potential impact of this missense change (SIFT: "Deleterious"; PolyPhen-2: "Benign"; Align-GVGD: "Class C0"). ClinVar contains an entry for this variant (Variation ID: 1353849). This variant has not been reported in the literature in individuals affected with ATP6V1A-related conditions. This variant is not present in population databases (gnomAD no frequency). This sequence change replaces glutamine, which is neutral and polar, with arginine, which is basic and polar, at codon 242 of the ATP6V1A protein (p.Gln242Arg).

NM_001690.4(ATP6V1A):c.725A>G (p.Gln242Arg)

Gene: ATP6V1A (ATPase H+ transporting V1 subunit A; plus strand). Cytogenetic location: 3q13.31.
Variant type: single nucleotide variant.
Coding change: c.725A>G on transcript NM_001690.4 (MANE Select); coding-DNA position 725, A replaced by G.
Protein change: p.Gln242Arg; replaces glutamine 242 with arginine.
Molecular consequence: missense variant.
Genome position (GRCh38, 1-based): chr3:113,788,721, A>G. VCF-style: chr3-113788721-A-G. GRCh37 (hg19) VCF-style: chr3-113507568-A-G.
Other names: short protein forms Q242R.
Identifiers: ClinVar variation 1353849 (VCV001353849.6), dbSNP rs2108033355, ClinGen allele CA354013170.